The following is an entry in ClinVar:

NM_000038.6(APC):c.6835A>T (p.Lys2279Ter)

Gene: APC (APC regulator of Wnt signaling pathway; plus strand). Cytogenetic location: 5q22.2.
Variant type: single nucleotide variant.
Coding change: c.6835A>T on transcript NM_000038.6 (MANE Select); coding-DNA position 6835, A replaced by T.
Protein change: p.Lys2279Ter; replaces lysine 2279 with a stop codon.
Molecular consequence: nonsense.
Genome position (GRCh38, 1-based): chr5:112,842,429, A>T. VCF-style: chr5-112842429-A-T. GRCh37 (hg19) VCF-style: chr5-112178126-A-T.
Other names: c.6835A>T, p.Lys2279Ter (NM_001127510.3, NM_001354895.2); c.6781A>T, p.Lys2261Ter (NM_001127511.3); c.6889A>T, p.Lys2297Ter (NM_001354896.2); c.6865A>T, p.Lys2289Ter (NM_001354897.2); c.6760A>T, p.Lys2254Ter (NM_001354898.2); c.6751A>T, p.Lys2251Ter (NM_001354899.2); c.6712A>T, p.Lys2238Ter (NM_001354900.2); c.6658A>T, p.Lys2220Ter (NM_001354901.2); and 5 more; short protein forms K2178*, K2188*, K2289*, K2153*, K2220*, K2261*, K1996*, K2238*.
Identifiers: ClinVar variation 1455213 (VCV001455213.6), dbSNP rs2149974329, ClinGen allele CA16036252.

ClinVar aggregate classification (germline): Pathogenic (1 of 4 stars; one submission).

Conditions:
Familial adenomatous polyposis 1 (FAP1). Also called: POLYPOSIS, ADENOMATOUS INTESTINAL; FAMILIAL ADENOMATOUS POLYPOSIS 1, ATTENUATED. Identifiers: MedGen C2713442, MONDO:0021056, OMIM 175100. Disease mechanism: loss of function.

Submission:

Labcorp Genetics (formerly Invitae), Labcorp
Classification: Pathogenic for Familial adenomatous polyposis 1. Last evaluated: 2021-09-20. Review status: criteria provided, single submitter. Criteria: Invitae Variant Classification Sherloc (09022015). Collection method: clinical testing. Allele origin: germline.
Comment: For these reasons, this variant has been classified as Pathogenic. This variant is expected to disrupt the EB1 and HDLG binding sites, which mediate interactions with the cytoskeleton (PMID: 15311282, 17293347). While functional studies have not been performed to directly test the effect on APC protein function, this suggests that disruption of the C-terminal portion of the protein is functionally important. A different truncation (p.Tyr2645Lysfs*14) that lies downstream of this variant has been determined to be pathogenic (PMID: 9824584, 1316610, 27081525, 8381579, 22135120, Invitae). This suggests that deletion of this region of the APC protein is causative of disease. This variant has not been reported in the literature in individuals affected with APC-related conditions. This variant is not present in population databases (ExAC no frequency). This sequence change creates a premature translational stop signal (p.Lys2279*) in the APC gene. While this is not anticipated to result in nonsense mediated decay, it is expected to disrupt the last 565 amino acid(s) of the APC protein.

Literature cited by the submitters: PubMed 15311282; PubMed 17293347; PubMed 9824584; PubMed 1316610; PubMed 27081525; PubMed 8381579; PubMed 22135120.